The following is an entry in ClinVar:

ClinVar aggregate classification (germline): Uncertain significance (1 of 4 stars; one submission).

gnomAD v4.1: 1 of 1,602,830 alleles (0.000062%); highest among the groups gnomAD compares: African/African-American, 0.0013%; no homozygotes.

Submission:

GeneDx
Classification: Uncertain significance. Last evaluated: 2024-10-15. Review status: criteria provided, single submitter. Criteria: GeneDx Variant Classification Process June 2021. Collection method: clinical testing. Allele origin: germline. Affected: yes.
Comment: Not observed at significant frequency in large population cohorts (gnomAD); In silico analysis supports that this missense variant has a deleterious effect on protein structure/function; Has not been previously published as pathogenic or benign to our knowledge

NM_173551.5(ANKS6):c.2327A>T (p.Asp776Val)

Gene: ANKS6 (ankyrin repeat and sterile alpha motif domain containing 6; minus strand). Cytogenetic location: 9q22.33.
Variant type: single nucleotide variant.
Coding change: c.2327A>T on transcript NM_173551.5 (MANE Select); coding-DNA position 2327, A replaced by T.
Protein change: p.Asp776Val; replaces aspartic acid 776 with valine.
Molecular consequence: missense variant.
Genome position (GRCh38, 1-based): chr9:98,751,096, T>A on the plus strand (A>T on the coding strand, the complement: ANKS6 is on the minus strand). VCF-style: chr9-98751096-T-A. GRCh37 (hg19) VCF-style: chr9-101513378-T-A.
Other names: short protein forms D776V.
Identifiers: ClinVar variation 3781106 (VCV003781106.1).